The following is an entry in ClinVar:

ClinVar aggregate classification (germline): Pathogenic (1 of 4 stars; one submission).

Conditions:
Van der Woude syndrome. Identifiers: Orphanet 888, MedGen C0175697, MONDO:0019508.
Popliteal pterygium syndrome (PPS). Identifiers: Orphanet 294963, MedGen C0265259, MONDO:0017435.
Orofacial cleft 6, susceptibility to (OFC6). Also called: CLEFT LIP WITH OR WITHOUT CLEFT PALATE, NONSYNDROMIC, 6. Identifiers: MedGen C1837213, MONDO:0012141, OMIM 608864.

Submission:

Labcorp Genetics (formerly Invitae), Labcorp
Classification: Pathogenic for Orofacial cleft 6, susceptibility to; Van der Woude syndrome; Popliteal pterygium syndrome. Last evaluated: 2023-07-17. Review status: criteria provided, single submitter. Criteria: Invitae Variant Classification Sherloc (09022015). Collection method: clinical testing. Allele origin: germline.
Comment: This sequence change creates a premature translational stop signal (p.Trp192*) in the IRF6 gene. It is expected to result in an absent or disrupted protein product. Loss-of-function variants in IRF6 are known to be pathogenic (PMID: 19282774, 23949966). This variant is not present in population databases (gnomAD no frequency). This premature translational stop signal has been observed in individual(s) with van der Woude syndrome (PMID: 12219090). ClinVar contains an entry for this variant (Variation ID: 1456094). For these reasons, this variant has been classified as Pathogenic.

Literature cited by the submitters: PubMed 19282774; PubMed 23949966; PubMed 12219090.

NM_006147.4(IRF6):c.575G>A (p.Trp192Ter)

Gene: IRF6 (interferon regulatory factor 6; minus strand). Cytogenetic location: 1q32.2.
Variant type: single nucleotide variant.
Coding change: c.575G>A on transcript NM_006147.4 (MANE Select); coding-DNA position 575, G replaced by A.
Protein change: p.Trp192Ter; replaces tryptophan 192 with a stop codon.
Molecular consequence: nonsense.
Genome position (GRCh38, 1-based): chr1:209,792,361, C>T on the plus strand (G>A on the coding strand, the complement: IRF6 is on the minus strand). VCF-style: chr1-209792361-C-T. GRCh37 (hg19) VCF-style: chr1-209965706-C-T.
Other names: c.290G>A, p.Trp97Ter (NM_001206696.2); short protein forms W192*, W97*.
Identifiers: ClinVar variation 1456094 (VCV001456094.6), dbSNP rs1399955256, ClinGen allele CA344579530.